The following is an entry in ClinVar:

ClinVar aggregate classification (germline): Uncertain significance (1 of 4 stars; one submission).

Allele frequency attached by ClinVar (database versions not stated): gnomAD exomes below 0.00001.
gnomAD v4.1: 1 of 1,614,094 alleles (0.000062%); highest among the groups gnomAD compares: Admixed American, 0.0017%; no homozygotes.

Submission:

Labcorp Genetics (formerly Invitae), Labcorp
Classification: Uncertain significance. Last evaluated: 2022-03-04. Review status: criteria provided, single submitter. Criteria: Invitae Variant Classification Sherloc (09022015). Collection method: clinical testing. Allele origin: germline.
Comment: This sequence change replaces cysteine, which is neutral and slightly polar, with tyrosine, which is neutral and polar, at codon 92 of the SPP2 protein (p.Cys92Tyr). This variant is present in population databases (no rsID available, gnomAD 0.003%). This variant has not been reported in the literature in individuals affected with SPP2-related conditions. Algorithms developed to predict the effect of missense changes on protein structure and function (SIFT, PolyPhen-2, Align-GVGD) all suggest that this variant is likely to be disruptive. In summary, the available evidence is currently insufficient to determine the role of this variant in disease. Therefore, it has been classified as a Variant of Uncertain Significance.

NM_006944.3(SPP2):c.275G>A (p.Cys92Tyr)

Gene: SPP2 (secreted phosphoprotein 2; plus strand). Cytogenetic location: 2q37.1.
Variant type: single nucleotide variant.
Coding change: c.275G>A on transcript NM_006944.3 (MANE Select); coding-DNA position 275, G replaced by A.
Protein change: p.Cys92Tyr; replaces cysteine 92 with tyrosine.
Molecular consequence: missense variant.
Genome position (GRCh38, 1-based): chr2:234,058,900, G>A. VCF-style: chr2-234058900-G-A. GRCh37 (hg19) VCF-style: chr2-234967544-G-A.
Other names: short protein forms C92Y.
Identifiers: ClinVar variation 1958212 (VCV001958212.5), dbSNP rs1167352947, ClinGen allele CA351101897.
Genomic context (GRCh38, chr2:234,058,900, plus strand): 5'-AGGTCCTAGATGAGAACAACTTGGTCATGAATTTAGAGTTCAGCATCCGGGAGACTACAT[G>A]CAGGAAGGATTCTGGAGAAGATCCCGCTACATGTGCCTTCCAGAGGGACTACTATGTGGT-3'
Protein context (NP_008875.1, residues 82-102): NLEFSIRETT[Cys92Tyr]RKDSGEDPAT